The following is an entry in ClinVar:

NM_001009944.3(PKD1):c.3586_3587del (p.Thr1196fs)

Gene: PKD1 (polycystin 1, transient receptor potential channel interacting; minus strand). Cytogenetic location: 16p13.3.
Variant type: Microsatellite.
Coding change: c.3586_3587del on transcript NM_001009944.3 (MANE Select); coding-DNA positions 3586 to 3587, 2 bases deleted (AC; older notation c.3586_3587delAC).
Protein change: p.Thr1196fs; shifts the reading frame from threonine 1196.
Molecular consequence: frameshift variant.
Genome position (GRCh38, 1-based): chr16:2,111,580-2,111,581, GT deleted on the plus strand (AC on the coding strand, the reverse complement: PKD1 is on the minus strand); deleting any 2 consecutive bases within chr16:2,111,580-2,111,583 gives the same sequence; the c. name uses the placement nearest the transcript's 3' end. VCF-style (leftmost placement, unchanged base first): chr16-2111579-CGT-C. GRCh37 (hg19) VCF-style: chr16-2161580-CGT-C.
Other names: c.3586_3587del, p.Thr1196fs (NM_000296.4); short protein forms T1196fs.
Identifiers: ClinVar variation 3066207 (VCV003066207.1), dbSNP rs2544829575, ClinGen allele CA2740098074.

ClinVar aggregate classification (germline): Pathogenic (1 of 4 stars; one submission).

Conditions:
Polycystic kidney disease, adult type (PKD1). Also called: Polycystic Kidney, Autosomal Dominant; POLYCYSTIC KIDNEY DISEASE 1 WITH OR WITHOUT POLYCYSTIC LIVER DISEASE; Polycystic Kidney Disease 1, Autosomal Dominant; Polycystic kidney disease 1; Polycystic kidney disease 1, severe; POLYCYSTIC KIDNEY DISEASE, ADULT, TYPE I. Identifiers: MedGen C3149841, MONDO:0008263, OMIM 173900.

Submission:

MVZ Medizinische Genetik Mainz
Classification: Pathogenic for Polycystic kidney disease, adult type. Last evaluated: 2022-11-24. Review status: criteria provided, single submitter. Criteria: UK Practice Guidelines For Variant Classification V4 01 2020. Collection method: clinical testing. Allele origin: germline. Inheritance: Autosomal dominant inheritance. Affected: yes. Observed: 1 variant allele.
Comment: ACMG Criteria: PVS1, PM2_SUP, PP4 (ACMG Version 4)